The following is an entry in ClinVar:

NM_001168221.2(CATSPERT):c.471G>C (p.Lys157Asn)

Gene: CATSPERT (catsper channel auxiliary subunit tau; minus strand). Cytogenetic location: 2q33.1.
Variant type: single nucleotide variant.
Coding change: c.471G>C on transcript NM_001168221.2 (MANE Select); coding-DNA position 471, G replaced by C.
Protein change: p.Lys157Asn; replaces lysine 157 with asparagine.
Molecular consequence: missense variant.
Genome position (GRCh38, 1-based): chr2:201,601,784, C>G on the plus strand (G>C on the coding strand, the complement: CATSPERT is on the minus strand). VCF-style: chr2-201601784-C-G. GRCh37 (hg19) VCF-style: chr2-202466507-C-G.
Other names: c.471G>C, p.Lys157Asn (NM_001168216.2, NM_001168217.2, NM_152525.6); short protein forms K157N.
Identifiers: ClinVar variation 4280920 (VCV004280920.7).

ClinVar aggregate classification (germline): Likely benign (1 of 4 stars; one submission).

gnomAD v4.1: 469 of 1,611,998 alleles (0.029%); highest among the groups gnomAD compares: Middle Eastern, 0.31%; 1 homozygote.

Submission:

CeGaT Center for Human Genetics Tuebingen
Classification: Likely benign. Last evaluated: 2025-09-01. Review status: criteria provided, single submitter. Criteria: CeGaT Center For Human Genetics Tuebingen Variant Classification Criteria Version 2. Collection method: clinical testing. Allele origin: germline. Affected: yes. Observed: 1 variant allele.
Comment: CATSPERT: BP4